The following is an entry in ClinVar:

NM_002473.6(MYH9):c.4250G>A (p.Arg1417Gln)

Gene: MYH9 (myosin heavy chain 9; minus strand). Cytogenetic location: 22q12.3.
Variant type: single nucleotide variant.
Coding change: c.4250G>A on transcript NM_002473.6 (MANE Select); coding-DNA position 4250, G replaced by A.
Protein change: p.Arg1417Gln; replaces arginine 1417 with glutamine.
Molecular consequence: missense variant.
Genome position (GRCh38, 1-based): chr22:36,292,080, C>T on the plus strand (G>A on the coding strand, the complement: MYH9 is on the minus strand). VCF-style: chr22-36292080-C-T. GRCh37 (hg19) VCF-style: chr22-36688126-C-T.
Other names: short protein forms R1417Q.
Identifiers: ClinVar variation 1691245 (VCV001691245.8), dbSNP rs2016714761, ClinGen allele CA411382464.

ClinVar aggregate classification (germline): Conflicting classifications of pathogenicity. Review status: criteria provided, conflicting classifications (1 of 4 stars). 2 submissions from 2 submitters: Likely pathogenic (1); Uncertain significance (1). Last evaluated 2022-01-16.

Conditions:
Macrothrombocytopenia and granulocyte inclusions with or without nephritis or sensorineural hearing loss (MATINS). Also called: SEBASTIAN PLATELET SYNDROME; MACROTHROMBOCYTOPENIA WITH DISPERSED LEUKOCYTIC INCLUSIONS; MACROTHROMBOCYTOPENIA, NEPHRITIS, AND DEAFNESS; MACROTHROMBOCYTOPENIA, NEPHRITIS, DEAFNESS, AND LEUKOCYTE INCLUSIONS; ALPORT SYNDROME WITH MACROTHROMBOCYTOPENIA; Fechtner syndrome. Identifiers: Orphanet 182050, MedGen C5200934, MONDO:0015912, OMIM 155100.

Allele frequency attached by ClinVar (database versions not stated): gnomAD exomes below 0.00001; TOPMed 0.00001.
gnomAD v4.1: 3 of 1,614,198 alleles (0.00019%); highest among the groups gnomAD compares: South Asian, 0.0011%; no homozygotes.

Submissions (2):

Labcorp Genetics (formerly Invitae), Labcorp
Classification: Uncertain significance. Last evaluated: 2022-01-16. Review status: criteria provided, single submitter. Criteria: Invitae Variant Classification Sherloc (09022015). Collection method: clinical testing. Allele origin: germline.
Comment: This sequence change replaces arginine, which is basic and polar, with glutamine, which is neutral and polar, at codon 1417 of the MYH9 protein (p.Arg1417Gln). This variant is not present in population databases (gnomAD no frequency). This missense change has been observed in individual(s) with MYH9-related conditions (PMID: 28983057). Algorithms developed to predict the effect of missense changes on protein structure and function are either unavailable or do not agree on the potential impact of this missense change (SIFT: "Deleterious"; PolyPhen-2: "Probably Damaging"; Align-GVGD: "Class C0"). In summary, the available evidence is currently insufficient to determine the role of this variant in disease. Therefore, it has been classified as a Variant of Uncertain Significance.

ISTH-SSC Genomics in Thrombosis and Hemostasis, KU Leuven, Center for Molecular and Vascular Biology
Classification: Likely pathogenic for Macrothrombocytopenia and granulocyte inclusions with or without nephritis or sensorineural hearing loss. Review status: criteria provided, single submitter. Criteria: ACMG Guidelines, 2015. Collection method: clinical testing. Allele origin: germline. Affected: yes. Observed: 1 heterozygote.
Comment: Submitted to GoldVariant by Jose María Bastida and José Rivera; Grupo Español de Alteraciones Plaquetarias Congénitas (GEAPC)

Literature cited by the submitters: PubMed 28983057 (cited by Labcorp Genetics (formerly Invitae), Labcorp).